The following is an entry in ClinVar:

ClinVar aggregate classification (germline): Uncertain significance. Review status: criteria provided, multiple submitters, no conflicts (2 of 4 stars). 2 submissions from 2 submitters: Uncertain significance (2). Last evaluated 2025-04-01.

Conditions:
Primary ciliary dyskinesia. Also called: Ciliary dyskinesia. Identifiers: Orphanet 244, MedGen C0008780, MONDO:0016575, HP:0012265.

Allele frequency attached by ClinVar (database versions not stated): TOPMed 0.00010; gnomAD 0.00013 and 0.00015; gnomAD exomes 0.00014 and 0.00023; ESP Exome Variant Server 0.00015; ExAC 0.00021.
gnomAD v4.1: 220 of 1,608,434 alleles (0.014%); highest among the groups gnomAD compares: Admixed American, 0.02%; no homozygotes.

Submissions (2):

Ambry Genetics
Classification: Uncertain significance. Last evaluated: 2025-04-01. Review status: criteria provided, single submitter. Criteria: Ambry Variant Classification Scheme 2023. Collection method: clinical testing. Allele origin: germline.

Labcorp Genetics (formerly Invitae), Labcorp
Classification: Uncertain significance for Primary ciliary dyskinesia. Last evaluated: 2023-11-06. Review status: criteria provided, single submitter. Criteria: Invitae Variant Classification Sherloc (09022015). Collection method: clinical testing. Allele origin: germline.
Comment: This sequence change replaces asparagine, which is neutral and polar, with serine, which is neutral and polar, at codon 651 of the DNAH8 protein (p.Asn651Ser). This variant is present in population databases (rs375668014, gnomAD 0.04%). This variant has not been reported in the literature in individuals affected with DNAH8-related conditions. ClinVar contains an entry for this variant (Variation ID: 579664). Algorithms developed to predict the effect of missense changes on protein structure and function output the following: SIFT: "Not Available"; PolyPhen-2: "Not Available"; Align-GVGD: "Not Available". The serine amino acid residue is found in multiple mammalian species, which suggests that this missense change does not adversely affect protein function. In summary, the available evidence is currently insufficient to determine the role of this variant in disease. Therefore, it has been classified as a Variant of Uncertain Significance.

NM_001206927.2(DNAH8):c.1952A>G (p.Asn651Ser)

Gene: DNAH8 (dynein axonemal heavy chain 8; plus strand). Cytogenetic location: 6p21.2.
Variant type: single nucleotide variant.
Coding change: c.1952A>G on transcript NM_001206927.2 (MANE Select); coding-DNA position 1952, A replaced by G.
Protein change: p.Asn651Ser; replaces asparagine 651 with serine.
Molecular consequence: missense variant.
Genome position (GRCh38, 1-based): chr6:38,775,941, A>G. VCF-style: chr6-38775941-A-G. GRCh37 (hg19) VCF-style: chr6-38743717-A-G.
Other names: c.1301A>G, p.Asn434Ser (NM_001371.4); short protein forms N651S, N434S.
Identifiers: ClinVar variation 579664 (VCV000579664.10), dbSNP rs375668014, ClinGen allele CA3788358.